The following is an entry in ClinVar:

ClinVar aggregate classification (germline): Uncertain significance. Review status: criteria provided, multiple submitters, no conflicts (2 of 4 stars). 3 submissions from 3 submitters: Uncertain significance (3). Last evaluated 2025-12-13.

Conditions:
Early-infantile DEE. Also called: Early infantile epileptic encephalopathy; Early infantile epileptic encephalopathy with suppression bursts; Ohtahara syndrome. Identifiers: Orphanet 1934, MedGen C0393706, MONDO:0800491.
Generalized epilepsy with febrile seizures plus, type 10. Also called: GEFS+, TYPE 10. Identifiers: MedGen C5193120, MONDO:0032777, OMIM 618482.

Submissions (3):

Labcorp Genetics (formerly Invitae), Labcorp
Classification: Uncertain significance for Early-infantile DEE. Last evaluated: 2025-12-13. Review status: criteria provided, single submitter. Criteria: Invitae Variant Classification Sherloc (09022015). Collection method: clinical testing. Allele origin: germline.
Comment: This sequence change replaces arginine, which is basic and polar, with histidine, which is basic and polar, at codon 428 of the HCN1 protein (p.Arg428His). This variant is not present in population databases (gnomAD no frequency). This missense change has been observed in individual(s) with epileptic encephalopathy (PMID: 29186148). ClinVar contains an entry for this variant (Variation ID: 1675984). Invitae Evidence Modeling of protein sequence and biophysical properties (such as structural, functional, and spatial information, amino acid conservation, physicochemical variation, residue mobility, and thermodynamic stability) has been performed for this missense variant. However, the output from this modeling did not meet the statistical confidence thresholds required to predict the impact of this variant on HCN1 protein function. In summary, the available evidence is currently insufficient to determine the role of this variant in disease. Therefore, it has been classified as a Variant of Uncertain Significance.

Institute of Human Genetics, University of Leipzig Medical Center
Classification: Uncertain significance for Generalized epilepsy with febrile seizures plus, type 10. Last evaluated: 2024-07-15. Review status: criteria provided, single submitter. Criteria: ACMG Guidelines, 2015. Collection method: clinical testing. Allele origin: maternal. Inheritance: Autosomal dominant inheritance. Affected: yes.
Comment: Criteria applied: PM2,PP2,PP3

CeGaT Center for Human Genetics Tuebingen
Classification: Uncertain significance. Last evaluated: 2022-03-01. Review status: criteria provided, single submitter. Criteria: CeGaT Center For Human Genetics Tuebingen Variant Classification Criteria Version 2. Collection method: clinical testing. Allele origin: germline. Affected: yes. Observed: 1 variant allele.
Comment: HCN1: PM2, PP2, PP3

Literature cited by the submitters: PubMed 29186148 (cited by Labcorp Genetics (formerly Invitae), Labcorp).

NM_021072.4(HCN1):c.1283G>A (p.Arg428His)

Gene: HCN1 (hyperpolarization activated cyclic nucleotide gated potassium channel 1; minus strand). Cytogenetic location: 5p12.
Variant type: single nucleotide variant.
Coding change: c.1283G>A on transcript NM_021072.4 (MANE Select); coding-DNA position 1283, G replaced by A.
Protein change: p.Arg428His; replaces arginine 428 with histidine.
Molecular consequence: missense variant.
Genome position (GRCh38, 1-based): chr5:45,353,194, C>T on the plus strand (G>A on the coding strand, the complement: HCN1 is on the minus strand). VCF-style: chr5-45353194-C-T. GRCh37 (hg19) VCF-style: chr5-45353296-C-T.
Other names: short protein forms R428H.
Identifiers: ClinVar variation 1675984 (VCV001675984.39), dbSNP rs1265198753, ClinGen allele CA359702175.